The following is an entry in ClinVar:

ClinVar aggregate classification (germline): Uncertain significance (1 of 4 stars; one submission).

Submission:

Greenwood Genetic Center Diagnostic Laboratories, Greenwood Genetic Center
Classification: Uncertain significance. Last evaluated: 2024-11-08. Review status: criteria provided, single submitter. Criteria: ACMG Guidelines, 2015. Collection method: clinical testing. Allele origin: germline. Affected: yes.
Comment: Gene of Uncertain Significance

NM_001146197.3(CCDC168):c.1238G>A (p.Gly413Glu)

Gene: CCDC168 (coiled-coil domain containing 168; minus strand). Cytogenetic location: 13q33.1.
Variant type: single nucleotide variant.
Coding change: c.1238G>A on transcript NM_001146197.3 (MANE Select); coding-DNA position 1238, G replaced by A.
Protein change: p.Gly413Glu; replaces glycine 413 with glutamic acid.
Molecular consequence: missense variant.
Genome position (GRCh38, 1-based): chr13:102,749,459, C>T on the plus strand (G>A on the coding strand, the complement: CCDC168 is on the minus strand). VCF-style: chr13-102749459-C-T. GRCh37 (hg19) VCF-style: chr13-103401809-C-T.
Other names: short protein forms G413E.
Identifiers: ClinVar variation 3765754 (VCV003765754.1).